The following is an entry in ClinVar:

NM_001283041.3(USP25):c.1827G>C (p.Trp609Cys)

Gene: USP25 (ubiquitin specific peptidase 25; plus strand). Cytogenetic location: 21q21.1.
Variant type: single nucleotide variant.
Coding change: c.1827G>C on transcript NM_001283041.3 (MANE Select); coding-DNA position 1827, G replaced by C.
Protein change: p.Trp609Cys; replaces tryptophan 609 with cysteine.
Molecular consequence: missense variant.
Genome position (GRCh38, 1-based): chr21:15,831,463, G>C. VCF-style: chr21-15831463-G-C. GRCh37 (hg19) VCF-style: chr21-17203782-G-C.
Other names: p.Trp609Cys; c.615G>C, p.Trp205Cys (NM_001352561.2, NM_001388300.1, NM_001388301.1 and 1 more transcripts); c.1164G>C, p.Trp388Cys (NM_001388299.1, NM_001352560.2); c.1827G>C, p.Trp609Cys (NM_013396.6, NM_001283042.3); short protein forms W205C, W388C, W609C.
Identifiers: ClinVar variation 4279588 (VCV004279588.1).
Genomic context (GRCh38, chr21:15,831,463, plus strand): 5'-TCCTTATCGATTACATGCCGTTTTAGTTCACGAAGGCCAAGCTAATGCTGGGCACTACTG[G>C]GCATATATTTTTGATCATCGTGAAAGCAGATGGATGAAGTACAATGATATTGCTGTGACA-3'
Protein context (NP_001269970.1, residues 599-619): HEGQANAGHY[Trp609Cys]AYIFDHRESR

ClinVar aggregate classification (germline): Uncertain significance (1 of 4 stars; one submission).

Conditions:
Epilepsy, idiopathic generalized, susceptibility to, 19. Identifiers: MedGen C5975589, MONDO:0976128, OMIM 621064.

Submission:

Department of Molecular Genetics, Istishari Arab Hospital
Classification: Uncertain significance for Epilepsy, idiopathic generalized, susceptibility to, 19. Last evaluated: 2025-10-09. Review status: criteria provided, single submitter. Criteria: ACMG Guidelines, 2015. Collection method: clinical testing. Allele origin: germline. Inheritance: Autosomal dominant inheritance. Affected: yes.
Comment: The USP25 variant c.1827G>C, p.Trp609Cys causes an amino acid change from Trp to Cys at position 609. To the best of our knowledge, this variant was not previously reported in the literature. The variant is not observed in the gnomAD v4.1.0 dataset. A different missense change at the same codon (p.Trp609Leu) has been reported as of uncertain significance. It is classified as variant of uncertain significance based on ACMG/AMP/ClinGen SVI guidelines.